The following is an entry in ClinVar:

ClinVar aggregate classification (germline): Conflicting classifications of pathogenicity. Review status: criteria provided, conflicting classifications (1 of 4 stars). 4 submissions from 4 submitters: Uncertain significance (2); Likely benign (1). 1 of the submissions does not count toward it. Last evaluated 2022-02-10.

Conditions:
Inborn genetic diseases. Identifiers: MedGen C0950123, MeSH D030342.
Congenital generalized lipodystrophy type 1 (CGL1). Also called: BRUNZELL SYNDROME, AGPAT2-RELATED; Berardinelli-Seip Congenital Lipodystrophy Type 1. Identifiers: Orphanet 528, Orphanet 696189, MedGen C1720862, MONDO:0012071, OMIM 608594.
AGPAT2-related disorder. Also called: AGPAT2-related condition.

Allele frequency attached by ClinVar (database versions not stated): gnomAD exomes 0.00039; ExAC 0.00050; ESP Exome Variant Server 0.00085; gnomAD 0.00094 and 0.00103; TOPMed 0.00119; 1000 Genomes Project 0.00200.

Submissions (6):

Labcorp Genetics (formerly Invitae), Labcorp
Classification: Likely benign. Last evaluated: 2022-02-10. Review status: criteria provided, single submitter. Criteria: Invitae Variant Classification Sherloc (09022015). Collection method: clinical testing. Allele origin: germline.

Ambry Genetics
Classification: Uncertain significance for Inborn genetic diseases. Last evaluated: 2021-10-12. Review status: criteria provided, single submitter. Criteria: Ambry Variant Classification Scheme 2023. Collection method: clinical testing. Allele origin: germline.

Illumina Laboratory Services, Illumina
Classification: Uncertain significance for Congenital generalized lipodystrophy type 1. Last evaluated: 2017-04-27. Review status: criteria provided, single submitter. Criteria: ICSL Variant Classification Criteria 13 December 2019. Collection method: clinical testing. Allele origin: germline.

PreventionGenetics, part of Exact Sciences
Classification: Likely benign for AGPAT2-related condition. Last evaluated: 2022-11-21. Review status: no assertion criteria provided. Collection method: clinical testing. Allele origin: germline. Not counted in ClinVar's aggregate classification.
Comment: This variant is classified as likely benign based on ACMG/AMP sequence variant interpretation guidelines (Richards et al. 2015 PMID: 25741868, with internal and published modifications).

Dr. Peter K. Rogan Lab, Western University
No classification provided (evidence only). Condition: Hepatocellular carcinoma. Review status: no classification provided. Collection method: in vitro. Allele origin: not applicable. Functional consequence: skipped exon, retained intron. Not counted in ClinVar's aggregate classification.

Dr. Peter K. Rogan Lab, Western University
No classification provided (evidence only). Condition: Malignant tumor of esophagus. Review status: no classification provided. Collection method: in vitro. Allele origin: not applicable. Functional consequence: retained intron. Not counted in ClinVar's aggregate classification.

NM_006412.4(AGPAT2):c.647A>T (p.Lys216Met)

Gene: AGPAT2 (1-acylglycerol-3-phosphate O-acyltransferase 2; minus strand). Cytogenetic location: 9q34.3.
Variant type: single nucleotide variant.
Coding change: c.647A>T on transcript NM_006412.4 (MANE Select); coding-DNA position 647, A replaced by T.
Protein change: p.Lys216Met; replaces lysine 216 with methionine.
Molecular consequence: missense variant.
Genome position (GRCh38, 1-based): chr9:136,674,749, T>A on the plus strand (A>T on the coding strand, the complement: AGPAT2 is on the minus strand). VCF-style: chr9-136674749-T-A. GRCh37 (hg19) VCF-style: chr9-139569201-T-A.
Other names: c.551A>T, p.Lys184Met (NM_001012727.2); short protein forms K216M, K184M.
Identifiers: ClinVar variation 913447 (VCV000913447.15), dbSNP rs143244920, ClinGen allele CA5342893.
Genomic context (GRCh38, chr9:136,674,749, plus strand): 5'-AGGGTCAGGCGGGGCCTACACCCCGGGTGCACACATGTGGGGGTACCTGAAGTGAAGAAC[T>A]TCTTCTTGGTGTTGTAGAAGGAGGAGAAGGAAGAGTACACCACGGGGACGATGGGCACCT-3'
Protein context (NP_006403.2, residues 206-226): SFSSFYNTKK[Lys216Met]FFTSGTVTVQ